The following is an entry in ClinVar:

NM_000271.5(NPC1):c.3331C>T (p.Leu1111=)

Gene: NPC1 (NPC intracellular cholesterol transporter 1; minus strand). Cytogenetic location: 18q11.2.
Variant type: single nucleotide variant.
Coding change: c.3331C>T on transcript NM_000271.5 (MANE Select); coding-DNA position 3331, C replaced by T.
Protein change: p.Leu1111=; no amino-acid change (leucine 1111 retained).
Molecular consequence: synonymous variant.
Genome position (GRCh38, 1-based): chr18:23,535,615, G>A on the plus strand (C>T on the coding strand, the complement: NPC1 is on the minus strand). VCF-style: chr18-23535615-G-A. GRCh37 (hg19) VCF-style: chr18-21115579-G-A.
Identifiers: ClinVar variation 92711 (VCV000092711.73), dbSNP rs151125564, ClinGen allele CA145962.

ClinVar aggregate classification (germline): Conflicting classifications of pathogenicity. Review status: criteria provided, conflicting classifications (1 of 4 stars). 11 submissions from 11 submitters: Uncertain significance (1); Benign (1); Likely benign (5). 4 of the submissions do not count toward it. Last evaluated 2026-08-01.

Conditions:
Inborn genetic diseases. Identifiers: MedGen C0950123, MeSH D030342.
Niemann-Pick disease, type C1. Also called: NIEMANN-PICK DISEASE, VARIANT TYPE C1; NEUROVISCERAL STORAGE DISEASE WITH VERTICAL SUPRANUCLEAR OPHTHALMOPLEGIA; NIEMANN-PICK DISEASE WITH CHOLESTEROL ESTERIFICATION BLOCK; NIEMANN-PICK DISEASE WITHOUT SPHINGOMYELINASE DEFICIENCY; NIEMANN-PICK DISEASE, CHRONIC NEURONOPATHIC FORM. Identifiers: Orphanet 646, MedGen C3179455, MONDO:0009757, OMIM 257220.

Allele frequency attached by ClinVar (database versions not stated): 1000 Genomes Project 30x 0.00094; 1000 Genomes Project 0.00120; gnomAD exomes 0.00140; ExAC 0.00142; gnomAD 0.00147 and 0.00150; TOPMed 0.00169; ESP Exome Variant Server 0.00231.
gnomAD v4.1: 3,358 of 1,614,184 alleles (0.21%); highest among the groups gnomAD compares: Non-Finnish European, 0.25%; 5 homozygotes.

Submissions (11):

CeGaT Center for Human Genetics Tuebingen
Classification: Likely benign. Last evaluated: 2026-08-01. Review status: criteria provided, single submitter. Criteria: CeGaT Center For Human Genetics Tuebingen Variant Classification Criteria Version 2. Collection method: clinical testing. Allele origin: germline. Affected: yes. Observed: 16 variant alleles.
Comment: NPC1: BP4, BP7

Labcorp Genetics (formerly Invitae), Labcorp
Classification: Likely benign for Niemann-Pick disease, type C1. Last evaluated: 2026-01-27. Review status: criteria provided, single submitter. Criteria: Invitae Variant Classification Sherloc (09022015). Collection method: clinical testing. Allele origin: germline.

Blueprint Genetics
Classification: Likely benign. Last evaluated: 2024-11-19. Review status: criteria provided, single submitter. Criteria: ACMG Guidelines, 2015. Collection method: clinical testing. Allele origin: germline.

Ambry Genetics
Classification: Likely benign for Inborn genetic diseases. Last evaluated: 2022-02-20. Review status: criteria provided, single submitter. Criteria: Ambry Variant Classification Scheme 2023. Collection method: clinical testing. Allele origin: germline.

GeneDx
Classification: Likely benign. Last evaluated: 2019-08-05. Review status: criteria provided, single submitter. Criteria: GeneDx Variant Classification Process June 2021. Collection method: clinical testing. Allele origin: germline. Affected: yes.

Illumina Laboratory Services, Illumina
Classification: Uncertain significance for Niemann-Pick disease type C1. Last evaluated: 2018-01-12. Review status: criteria provided, single submitter. Criteria: ICSL Variant Classification Criteria 13 December 2019. Collection method: clinical testing. Allele origin: germline.

Eurofins Ntd Llc (ga)
Classification: Benign. Last evaluated: 2013-02-22. Review status: criteria provided, single submitter. Criteria: EGL Classification Definitions 2015. Collection method: clinical testing. Allele origin: germline. Observed: 1 variant allele, 1 heterozygote.

Natera, Inc.
Classification: Benign for Niemann-Pick disease type C1. Last evaluated: 2019-10-22. Review status: no assertion criteria provided. Collection method: clinical testing. Allele origin: germline. Not counted in ClinVar's aggregate classification.

Mayo Clinic Laboratories, Mayo Clinic
Classification: Likely benign. Last evaluated: 2015-12-15. Review status: no assertion criteria provided. Collection method: clinical testing. Allele origin: unknown. Not counted in ClinVar's aggregate classification.

Clinical Genetics DNA and cytogenetics Diagnostics Lab, Erasmus MC, Erasmus Medical Center
Classification: Likely benign. Review status: no assertion criteria provided. Collection method: clinical testing. Allele origin: germline. Affected: yes. Study: VKGL Data-share Consensus. Not counted in ClinVar's aggregate classification.

Diagnostic Laboratory, Department of Genetics, University Medical Center Groningen
Classification: Likely benign. Review status: no assertion criteria provided. Collection method: clinical testing. Allele origin: germline. Affected: yes. Study: VKGL Data-share Consensus. Not counted in ClinVar's aggregate classification.